The following is an entry in ClinVar:

ClinVar aggregate classification (germline): Uncertain significance (1 of 4 stars; one submission).

Submission:

GeneDx
Classification: Uncertain significance. Last evaluated: 2025-04-01. Review status: criteria provided, single submitter. Criteria: GeneDx Variant Classification Process June 2021. Collection method: clinical testing. Allele origin: germline. Affected: yes.
Comment: Not observed at significant frequency in large population cohorts (gnomAD); In silico analysis supports that this missense variant has a deleterious effect on protein structure/function; Has not been previously published as pathogenic or benign to our knowledge

NM_001282116.2(RFX3):c.1957G>C (p.Val653Leu)

Gene: RFX3 (regulatory factor X3; minus strand). Cytogenetic location: 9p24.2.
Variant type: single nucleotide variant.
Coding change: c.1957G>C on transcript NM_001282116.2 (MANE Select); coding-DNA position 1957, G replaced by C.
Protein change: p.Val653Leu; replaces valine 653 with leucine.
Molecular consequence: missense variant.
Genome position (GRCh38, 1-based): chr9:3,248,043, C>G on the plus strand (G>C on the coding strand, the complement: RFX3 is on the minus strand). VCF-style: chr9-3248043-C-G. GRCh37 (hg19) VCF-style: chr9-3248043-C-G.
Other names: c.1957G>C, p.Val653Leu (NM_001377999.1, NM_002919.4, NM_134428.3); short protein forms V653L.
Identifiers: ClinVar variation 4278890 (VCV004278890.1).
Genomic context (GRCh38, chr9:3,248,043, plus strand): 5'-GCTTATTTTTAATAACCCAGTGGGTCACAGCTCTTTCAGCCTCTCTTACCTCGCCCATGA[C>G]TGCTATAGGAGTCTCTCCTGTTGCCTGAGCAACACGATGTTCTACTAAGTAAAACATATA-3'
Protein context (NP_001269045.1, residues 643-663): AQATGETPIA[Val653Leu]MGEFGDLNAV